The following is an entry in ClinVar:

ClinVar aggregate classification (germline): Uncertain significance. Review status: criteria provided, multiple submitters, no conflicts (2 of 4 stars). 2 submissions from 2 submitters: Uncertain significance (2). Last evaluated 2024-12-20.

gnomAD v4.1: 1 of 1,614,200 alleles (0.000062%); highest among the groups gnomAD compares: Non-Finnish European, 0.000085%; no homozygotes.

Submissions (2):

Ambry Genetics
Classification: Uncertain significance. Last evaluated: 2024-12-20. Review status: criteria provided, single submitter. Criteria: Ambry Variant Classification Scheme 2023. Collection method: clinical testing. Allele origin: germline.
Comment: The p.M595L variant (also known as c.1783A>C), located in coding exon 12 of the RINT1 gene, results from an A to C substitution at nucleotide position 1783. The methionine at codon 595 is replaced by leucine, an amino acid with highly similar properties. This amino acid position is conserved. In addition, this alteration is predicted to be tolerated by in silico analysis. Since supporting evidence is limited at this time, the clinical significance of this alteration remains unclear.

Labcorp Genetics (formerly Invitae), Labcorp
Classification: Uncertain significance. Last evaluated: 2024-03-06. Review status: criteria provided, single submitter. Criteria: Invitae Variant Classification Sherloc (09022015). Collection method: clinical testing. Allele origin: germline.
Comment: This sequence change replaces methionine, which is neutral and non-polar, with leucine, which is neutral and non-polar, at codon 595 of the RINT1 protein (p.Met595Leu). This variant is not present in population databases (gnomAD no frequency). This variant has not been reported in the literature in individuals affected with RINT1-related conditions. ClinVar contains an entry for this variant (Variation ID: 1780039). An algorithm developed to predict the effect of missense changes on protein structure and function (PolyPhen-2) suggests that this variant is likely to be tolerated. In summary, the available evidence is currently insufficient to determine the role of this variant in disease. Therefore, it has been classified as a Variant of Uncertain Significance.

NM_021930.6(RINT1):c.1783A>C (p.Met595Leu)

Gene: RINT1 (RAD50 interactor 1; plus strand). Cytogenetic location: 7q22.3.
Variant type: single nucleotide variant.
Coding change: c.1783A>C on transcript NM_021930.6 (MANE Select); coding-DNA position 1783, A replaced by C.
Protein change: p.Met595Leu; replaces methionine 595 with leucine.
Molecular consequence: missense variant. On other transcripts: non-coding transcript variant (1).
Genome position (GRCh38, 1-based): chr7:105,563,844, A>C. VCF-style: chr7-105563844-A-C. GRCh37 (hg19) VCF-style: chr7-105204291-A-C.
Other names: c.1549A>C, p.Met517Leu (NM_001346599.2); c.760A>C, p.Met254Leu (NM_001346600.2, NM_001346603.2); c.859A>C, p.Met287Leu (NM_001346601.2); short protein forms M595L, M254L, M287L, M517L.
Identifiers: ClinVar variation 1780039 (VCV001780039.6), dbSNP rs2485175925, ClinGen allele CA368813897.
Genomic context (GRCh38, chr7:105,563,844, plus strand): 5'-ACTCTGAGTAAATTGCAGCTAGGACAGCTAGCCTCTATGGAGAGCTCTGTCTTTGATGAC[A>C]TGATTAACCTCTTAGAACGTTTAAAGCATGATATGTTGACCCGTCAAGTAGACCACGTTT-3'
Protein context (NP_068749.3, residues 585-605): ASMESSVFDD[Met595Leu]INLLERLKHD